The following is an entry in ClinVar:

ClinVar aggregate classification (germline): Uncertain significance (1 of 4 stars; one submission).

Conditions:
Parkinson disease 24, autosomal dominant, susceptibility to. Identifiers: MedGen C5561969, MONDO:0859183, OMIM 619491.

Submission:

Institute of Human Genetics, University of Leipzig Medical Center
Classification: Uncertain significance for Parkinson disease 24, autosomal dominant, susceptibility to. Last evaluated: 2026-04-10. Review status: criteria provided, single submitter. Criteria: ACMG Guidelines, 2015. Collection method: clinical testing. Allele origin: unknown. Inheritance: Autosomal dominant inheritance. Affected: yes.
Comment: Criteria applied: PM2,PP3

NM_002778.4(PSAP):c.1312A>G (p.Lys438Glu)

Gene: PSAP (prosaposin; minus strand). Cytogenetic location: 10q22.1.
Variant type: single nucleotide variant.
Coding change: c.1312A>G on transcript NM_002778.4 (MANE Select); coding-DNA position 1312, A replaced by G.
Protein change: p.Lys438Glu; replaces lysine 438 with glutamic acid.
Molecular consequence: missense variant.
Genome position (GRCh38, 1-based): chr10:71,819,503, T>C on the plus strand (A>G on the coding strand, the complement: PSAP is on the minus strand). VCF-style: chr10-71819503-T-C. GRCh37 (hg19) VCF-style: chr10-73579260-T-C.
Other names: c.1321A>G, p.Lys441Glu (NM_001042465.3); c.1318A>G, p.Lys440Glu (NM_001042466.3); short protein forms K438E, K440E, K441E.
Identifiers: ClinVar variation 4857418 (VCV004857418.1).